The following is an entry in ClinVar:

ClinVar aggregate classification (germline): Uncertain significance (1 of 4 stars; one submission).

Submission:

Ambry Genetics
Classification: Uncertain significance. Last evaluated: 2026-01-20. Review status: criteria provided, single submitter. Criteria: Ambry Variant Classification Scheme 2023. Collection method: clinical testing. Allele origin: germline.
Comment: The p.G410R variant (also known as c.1228G>C), located in coding exon 11 of the GEN1 gene, results from a G to C substitution at nucleotide position 1228. The glycine at codon 410 is replaced by arginine, an amino acid with dissimilar properties. This amino acid position is conserved. In addition, this alteration is predicted to be tolerated by in silico analysis. Based on the available evidence, the clinical significance of this variant remains unclear.

NM_001130009.3(GEN1):c.1228G>C (p.Gly410Arg)

Gene: GEN1 (GEN1 structure-specific endonuclease; plus strand). Cytogenetic location: 2p24.2.
Variant type: single nucleotide variant.
Coding change: c.1228G>C on transcript NM_001130009.3 (MANE Select); coding-DNA position 1228, G replaced by C.
Protein change: p.Gly410Arg; replaces glycine 410 with arginine.
Molecular consequence: missense variant.
Genome position (GRCh38, 1-based): chr2:17,778,027, G>C. VCF-style: chr2-17778027-G-C. GRCh37 (hg19) VCF-style: chr2-17959294-G-C.
Other names: c.1228G>C, p.Gly410Arg (NM_182625.5); short protein forms G410R.
Identifiers: ClinVar variation 4844965 (VCV004844965.1).